The following is an entry in ClinVar:

NM_001148.6(ANK2):c.7685C>T (p.Pro2562Leu)

Genes: ANK2 (ankyrin 2; plus strand), LOC126807137 (CDK7 strongly-dependent group 2 enhancer GRCh37_chr4:114276560-114277759; plus strand). Cytogenetic location: 4q26.
Variant type: single nucleotide variant.
Coding change: c.7685C>T on transcript NM_001148.6 (MANE Select); coding-DNA position 7685, C replaced by T.
Protein change: p.Pro2562Leu; replaces proline 2562 with leucine.
Molecular consequence: missense variant. On other transcripts: intron variant (68).
Genome position (GRCh38, 1-based): chr4:113,356,303, C>T. VCF-style: chr4-113356303-C-T. GRCh37 (hg19) VCF-style: chr4-114277459-C-T.
Other names: c.7451C>T, p.Pro2484Leu (NM_001386142.1); c.4085C>T, p.Pro1362Leu (NM_001386166.1); c.7826C>T, p.Pro2609Leu (NM_001386174.1); c.7802C>T, p.Pro2601Leu (NM_001386175.1); c.4412-4520C>T (NM_001386186.2, NM_001386148.2); c.4214-4520C>T (NM_001354269.3); c.4292-4520C>T (NM_001386187.2); c.4253-4520C>T (NM_001386147.1); and 35 more; short protein forms P2562L, P1362L, P2484L, P2601L, P2609L.
Identifiers: ClinVar variation 264526 (VCV000264526.9), dbSNP rs886039184, ClinGen allele CA10587583.

ClinVar aggregate classification (germline): Uncertain significance. Review status: criteria provided, multiple submitters, no conflicts (2 of 4 stars). 3 submissions from 3 submitters: Uncertain significance (3). Last evaluated 2023-11-08.

Conditions:
Cardiovascular phenotype. Identifiers: MedGen CN230736.
Long QT syndrome (LQTS). Identifiers: MedGen C0023976, MeSH D008133, MONDO:0002442. Disease mechanism: loss of function. Inheritance: Various modes of inheritance.

Submissions (3):

Labcorp Genetics (formerly Invitae), Labcorp
Classification: Uncertain significance for Long QT syndrome. Last evaluated: 2023-11-08. Review status: criteria provided, single submitter. Criteria: Invitae Variant Classification Sherloc (09022015). Collection method: clinical testing. Allele origin: germline.
Comment: This sequence change replaces proline, which is neutral and non-polar, with leucine, which is neutral and non-polar, at codon 2562 of the ANK2 protein (p.Pro2562Leu). This variant is not present in population databases (gnomAD no frequency). This variant has not been reported in the literature in individuals affected with ANK2-related conditions. ClinVar contains an entry for this variant (Variation ID: 264526). An algorithm developed to predict the effect of missense changes on protein structure and function (PolyPhen-2) suggests that this variant is likely to be disruptive. In summary, the available evidence is currently insufficient to determine the role of this variant in disease. Therefore, it has been classified as a Variant of Uncertain Significance.

GeneDx
Classification: Uncertain significance. Last evaluated: 2017-10-02. Review status: criteria provided, single submitter. Criteria: GeneDx Variant Classification (06012015). Collection method: clinical testing. Allele origin: germline. Affected: yes.
Comment: The P2562L variant of uncertain significance in the ANK2 gene has not been published as pathogenic or benign to our knowledge. This variant is not observed in large population cohorts (Lek et al., 2016; 1000 Genomes Consortium et al., 2015; Exome Variant Server). The P2562L variant is a semi-conservative amino acid substitution, which may impact secondary protein structure as these residues differ in some properties. This substitution also occurs at a position that is conserved in mammals. In silico analysis predicts this variant is probably damaging to the protein structure/function. Nevertheless, no missense variants in nearby residues have been reported in the Human Gene Mutation Database in association with arrhythmia (Stenson et al., 2014).Therefore, based on the currently available information, it is unclear whether this variant is pathogenic or rare benign.

Ambry Genetics
Classification: Uncertain significance for Cardiovascular phenotype. Last evaluated: 2015-11-19. Review status: criteria provided, single submitter. Criteria: Ambry Variant Classification Scheme 2023. Collection method: clinical testing. Allele origin: germline.
Comment: The p.P2562L variant (also known as c.7685C>T), located in coding exon 38 of the ANK2 gene, results from a C to T substitution at nucleotide position 7685. The proline at codon 2562 is replaced by leucine, an amino acid with similar properties. This variant was not reported in population based cohorts in the following databases: Database of Single Nucleotide Polymorphisms (dbSNP), NHLBI Exome Sequencing Project (ESP), and 1000 Genomes Project. In the ESP, this variant was not observed in 6503 samples (13006 alleles) with coverage at this position. This amino acid position is not well conserved in available vertebrate species. In addition, this alteration is predicted to be tolerated by in silico analysis. Since supporting evidence is limited at this time, the clinical significance of this variant remains unclear.